The following is an entry in ClinVar:

ClinVar aggregate classification (germline): Likely pathogenic (1 of 4 stars; one submission).

Conditions:
Charcot-Marie-Tooth disease type 2. Also called: Charcot-Marie-Tooth type 2. Identifiers: Orphanet 64746, MedGen C0270914, MONDO:0018993.

Submission:

Labcorp Genetics (formerly Invitae), Labcorp
Classification: Likely pathogenic for Charcot-Marie-Tooth disease type 2. Last evaluated: 2016-05-26. Review status: criteria provided, single submitter. Criteria: Invitae Variant Classification Sherloc (09022015). Collection method: clinical testing. Allele origin: germline.
Comment: This sequence change replaces tryptophan with cysteine at codon 740 of the MFN2 protein (p.Trp740Cys). The tryptophan residue is moderately conserved and there is a large physicochemical difference between tryptophan and cysteine. This variant is not present in population databases (ExAC no frequency). This variant was reported in a mother and daughter affected with hereditary motor and sensory neuropathy (PMID: 20008656). Algorithms developed to predict the effect of missense changes on protein structure and function do not agree on the potential impact of this missense change (SIFT: "Deleterious"; PolyPhen-2: "Probably Damaging"; Align-GVGD: "Class C0"). A different missense substitution at this codon (p.Trp740Ser) has been reported to be deleterious (PMID: 17215403, 20335458). This indicates that the tryptophan residue is important for MFN2 protein function. Yet another missense change (p.Trp740Arg) has been reported in a patient with early-onset CMT (PMID: 22762946). For these reasons, this variant has been classified as Likely Pathogenic.

NM_014874.4(MFN2):c.2220G>T (p.Trp740Cys)

Gene: MFN2 (mitofusin 2; plus strand). Cytogenetic location: 1p36.22.
Variant type: single nucleotide variant.
Coding change: c.2220G>T on transcript NM_014874.4 (MANE Select); coding-DNA position 2220, G replaced by T.
Protein change: p.Trp740Cys; replaces tryptophan 740 with cysteine.
Molecular consequence: missense variant.
Genome position (GRCh38, 1-based): chr1:12,011,511, G>T. VCF-style: chr1-12011511-G-T. GRCh37 (hg19) VCF-style: chr1-12071568-G-T.
Other names: c.2220G>T, p.Trp740Cys (NM_001127660.2); short protein forms W740C.
Identifiers: ClinVar variation 408331 (VCV000408331.1), dbSNP rs1060501925, ClinGen allele CA16609875.